The following is an entry in ClinVar:

ClinVar aggregate classification (germline): Uncertain significance. Review status: criteria provided, multiple submitters, no conflicts (2 of 4 stars). 2 submissions from 2 submitters: Uncertain significance (2). Last evaluated 2022-01-06.

Allele frequency attached by ClinVar (database versions not stated): ExAC 0.00001; gnomAD exomes 0.00001 and 0.00002; TOPMed 0.00001; gnomAD 0.00002.
gnomAD v4.1: 26 of 1,613,920 alleles (0.0016%); highest among the groups gnomAD compares: South Asian, 0.0066%; no homozygotes.

Submissions (2):

Labcorp Genetics (formerly Invitae), Labcorp
Classification: Uncertain significance. Last evaluated: 2022-01-06. Review status: criteria provided, single submitter. Criteria: Invitae Variant Classification Sherloc (09022015). Collection method: clinical testing. Allele origin: germline.
Comment: In summary, the available evidence is currently insufficient to determine the role of this variant in disease. Therefore, it has been classified as a Variant of Uncertain Significance. Algorithms developed to predict the effect of missense changes on protein structure and function (SIFT, PolyPhen-2, Align-GVGD) all suggest that this variant is likely to be tolerated. This variant has not been reported in the literature in individuals affected with SLC7A14-related conditions. This variant is present in population databases (rs753080198, gnomAD 0.0009%). This sequence change replaces valine, which is neutral and non-polar, with alanine, which is neutral and non-polar, at codon 103 of the SLC7A14 protein (p.Val103Ala).

Blueprint Genetics
Classification: Uncertain significance. Last evaluated: 2021-05-26. Review status: criteria provided, single submitter. Criteria: ACMG Guidelines, 2015. Collection method: clinical testing. Allele origin: germline.

NM_020949.3(SLC7A14):c.308T>C (p.Val103Ala)

Genes: SLC7A14 (solute carrier family 7 member 14; minus strand), SLC7A14-AS1 (SLC7A14 antisense RNA 1; plus strand). Cytogenetic location: 3q26.2.
Variant type: single nucleotide variant.
Coding change: c.308T>C on transcript NM_020949.3 (MANE Select); coding-DNA position 308, T replaced by C.
Protein change: p.Val103Ala; replaces valine 103 with alanine.
Molecular consequence: missense variant.
Genome position (GRCh38, 1-based): chr3:170,501,342, A>G on the plus strand (T>C on the coding strand, the complement: SLC7A14 is on the minus strand). VCF-style: chr3-170501342-A-G. GRCh37 (hg19) VCF-style: chr3-170219131-A-G.
Other names: short protein forms V103A.
Identifiers: ClinVar variation 1391228 (VCV001391228.7), dbSNP rs753080198, ClinGen allele CA2701952.